The following is an entry in ClinVar:

NM_144643.4(SCLT1):c.992T>C (p.Val331Ala)

Gene: SCLT1 (sodium channel and clathrin linker 1; minus strand). Cytogenetic location: 4q28.2.
Variant type: single nucleotide variant.
Coding change: c.992T>C on transcript NM_144643.4 (MANE Select); coding-DNA position 992, T replaced by C.
Protein change: p.Val331Ala; replaces valine 331 with alanine.
Molecular consequence: missense variant.
Genome position (GRCh38, 1-based): chr4:128,959,655, A>G on the plus strand (T>C on the coding strand, the complement: SCLT1 is on the minus strand). VCF-style: chr4-128959655-A-G. GRCh37 (hg19) VCF-style: chr4-129880810-A-G.
Other names: short protein forms V331A.
Identifiers: ClinVar variation 1383315 (VCV001383315.8), dbSNP rs2126013719, ClinGen allele CA358188692.
Genomic context (GRCh38, chr4:128,959,655, plus strand): 5'-CTTACCTGACTTTTTTGAAGGTTAGCTTCTTCTAAGAGTTGCATGCTATTTCTGGCTCTT[A>G]CAATAGCCTCATATCTCTCATTTTCTAATTCATTGCACTTTGCTTGTAGCTCTCTGGTCT-3'
Protein context (NP_653244.2, residues 321-341): ELENERYEAI[Val331Ala]RARNSMQLLE

ClinVar aggregate classification (germline): Uncertain significance (1 of 4 stars; one submission).

Submission:

Labcorp Genetics (formerly Invitae), Labcorp
Classification: Uncertain significance. Last evaluated: 2022-10-27. Review status: criteria provided, single submitter. Criteria: Invitae Variant Classification Sherloc (09022015). Collection method: clinical testing. Allele origin: germline.
Comment: This variant has not been reported in the literature in individuals affected with SCLT1-related conditions. This variant is not present in population databases (gnomAD no frequency). This sequence change replaces valine, which is neutral and non-polar, with alanine, which is neutral and non-polar, at codon 331 of the SCLT1 protein (p.Val331Ala). ClinVar contains an entry for this variant (Variation ID: 1383315). Algorithms developed to predict the effect of missense changes on protein structure and function (SIFT, PolyPhen-2, Align-GVGD) all suggest that this variant is likely to be tolerated. In summary, the available evidence is currently insufficient to determine the role of this variant in disease. Therefore, it has been classified as a Variant of Uncertain Significance.